The following is an entry in ClinVar:

Conditions:
Breast-ovarian cancer, familial, susceptibility to, 1 (BROVCA1). Also called: BRCA1 Hereditary Breast and Ovarian Cancer; OVARIAN CANCER, SUSCEPTIBILITY TO. Identifiers: Orphanet 145, MedGen C2676676, MONDO:0011450, OMIM 604370. Disease mechanism: loss of function.

Submission:

Brotman Baty Institute, University of Washington
No classification provided (evidence only). Condition: Breast-ovarian cancer, familial 1. Review status: no classification provided. Collection method: in vitro. Allele origin: not applicable. Functional consequence: function_uncertain_variant.
ClinVar note: "not provided" was previously submitted as the classification for the variant. However, the classification appeared to be based only on an observation of functional data so it was converted to no classification on 2025-07-30.

NM_007294.4(BRCA1):c.5497G>C (p.Val1833Leu)

Gene: BRCA1 (BRCA1 DNA repair associated; minus strand). Cytogenetic location: 17q21.31.
Variant type: single nucleotide variant.
Coding change: c.5497G>C on transcript NM_007294.4 (MANE Select); coding-DNA position 5497, G replaced by C.
Protein change: p.Val1833Leu; replaces valine 1833 with leucine.
Molecular consequence: missense variant. On other transcripts: 3 prime UTR variant (1), non-coding transcript variant (1).
Genome position (GRCh38, 1-based): chr17:43,045,773, C>G on the plus strand (G>C on the coding strand, the complement: BRCA1 is on the minus strand). VCF-style: chr17-43045773-C-G. GRCh37 (hg19) VCF-style: chr17-41197790-C-G.
Other names: c.1924G>C, p.Val642Leu (NM_001408498.1, NM_001408499.1, NM_001408500.1 and 3 more transcripts); c.1921G>C, p.Val641Leu (NM_001408502.1, NM_001408503.1, NM_001408504.1); c.1918G>C, p.Val640Leu (NM_001408505.1); c.1861G>C, p.Val621Leu (NM_001408506.1); c.1858G>C, p.Val620Leu (NM_001408507.1); c.5491G>C, p.Val1831Leu (NM_001407633.1, NM_001407634.1, NM_001407635.1 and 13 more transcripts); c.5419G>C, p.Val1807Leu (NM_001407655.1, NM_001407652.1, NM_001407653.1 and 1 more transcripts); c.5416G>C, p.Val1806Leu (NM_001407656.1, NM_001407657.1, NM_001407658.1); and 74 more; short protein forms V1854L, V729L, V1786L, V1833L, V1537L, V1704L, V1720L, V1743L.
Identifiers: ClinVar variation 868595 (VCV000868595.3), dbSNP rs80357268, ClinGen allele CA10590314.
Genomic context (GRCh38, chr17:43,045,773, plus strand): 5'-AGGTGTCCAGCTCCTGGCACTGGTAGAGTGCTACACTGTCCAACACCCACTCTCGGGTCA[C>G]CACAGGTGCCTCACACATCTGCCCAATTGCTGGAGACAGAGAACACAAGCAGAGATTAGT-3'
Protein context (NP_009225.1, residues 1823-1843): AIGQMCEAPV[Val1833Leu]TREWVLDSVA